The following is an entry in ClinVar:

ClinVar aggregate classification (germline): Uncertain significance (1 of 4 stars; one submission).

Allele frequency attached by ClinVar (database versions not stated): gnomAD exomes 0.00017; ExAC 0.00070; gnomAD 0.00180; ESP Exome Variant Server 0.00194; TOPMed 0.00198; 1000 Genomes Project 0.00200.
gnomAD v4.1: 513 of 1,540,746 alleles (0.033%); highest among the groups gnomAD compares: African/African-American, 0.63%; 1 homozygote.

Submission:

Greenwood Genetic Center Diagnostic Laboratories, Greenwood Genetic Center
Classification: Uncertain significance. Last evaluated: 2022-07-29. Review status: criteria provided, single submitter. Criteria: ACMG Guidelines, 2015. Collection method: clinical testing. Allele origin: germline. Affected: yes.
Comment: No rules apply

NM_019100.5(DMAP1):c.1344+3A>G

Gene: DMAP1 (DNA methyltransferase 1 associated protein 1; plus strand). Cytogenetic location: 1p34.1.
Variant type: single nucleotide variant.
Coding change: c.1344+3A>G on transcript NM_019100.5 (MANE Select); 3 bases into the intron after coding-DNA position 1344, A replaced by G.
Molecular consequence: intron variant.
Genome position (GRCh38, 1-based): chr1:44,220,312, A>G. VCF-style: chr1-44220312-A-G. GRCh37 (hg19) VCF-style: chr1-44685984-A-G.
Other names: c.1344+3A>G (NM_001034023.2, NM_001034024.2).
Identifiers: ClinVar variation 1710472 (VCV001710472.3), dbSNP rs140100133, ClinGen allele CA818822.
Genomic context (GRCh38, chr1:44,220,312, plus strand): 5'-TCCTGACCCCAAGGACACCATCATTGATGTGGTGGGCGCACCCCTCACGCCCAATTCGGT[A>G]AGAGTCTGGACAGGCTGGGAGGCACGCCTGGGCCCTGCGAGTGAGCACATGCACATGGGT-3'